The following is an entry in ClinVar:

ClinVar aggregate classification (germline): Uncertain significance. Review status: criteria provided, multiple submitters, no conflicts (2 of 4 stars). 2 submissions from 2 submitters: Uncertain significance (2). Last evaluated 2024-04-02.

Conditions:
Hereditary breast ovarian cancer syndrome. Also called: Breast and ovarian cancer; BRCA1- and BRCA2-Associated Hereditary Breast and Ovarian Cancer; Hereditary breast and ovarian cancer; Hereditary breast and ovarian cancer syndrome (HBOC); Hereditary breast and/or ovarian cancer syndrome; Hereditary breast and ovarian cancer syndrome. Identifiers: Orphanet 145, MedGen C0677776, MeSH D061325, MONDO:0003582. Disease mechanism: loss of function.

Submissions (2):

Institute for Biomarker Research, Medical Diagnostic Laboratories, L.L.C.
Classification: Uncertain significance for Hereditary breast ovarian cancer syndrome. Last evaluated: 2024-04-02. Review status: criteria provided, single submitter. Criteria: ACMG Guidelines, 2015. Collection method: clinical testing. Allele origin: germline.

Labcorp Genetics (formerly Invitae), Labcorp
Classification: Uncertain significance for Hereditary breast ovarian cancer syndrome. Last evaluated: 2019-12-05. Review status: criteria provided, single submitter. Criteria: Invitae Variant Classification Sherloc (09022015). Collection method: clinical testing. Allele origin: germline.
Comment: In summary, the available evidence is currently insufficient to determine the role of this variant in disease. Therefore, it has been classified as a Variant of Uncertain Significance. Algorithms developed to predict the effect of missense changes on protein structure and function (SIFT, PolyPhen-2, Align-GVGD) all suggest that this variant is likely to be tolerated, but these predictions have not been confirmed by published functional studies and their clinical significance is uncertain. This variant has not been reported in the literature in individuals with BRCA2-related conditions. This variant is not present in population databases (ExAC no frequency). This sequence change replaces histidine with proline at codon 223 of the BRCA2 protein (p.His223Pro). The histidine residue is weakly conserved and there is a moderate physicochemical difference between histidine and proline.

NM_000059.4(BRCA2):c.668A>C (p.His223Pro)

Gene: BRCA2 (BRCA2 DNA repair associated; plus strand). Cytogenetic location: 13q13.1.
Variant type: single nucleotide variant.
Coding change: c.668A>C on transcript NM_000059.4 (MANE Select); coding-DNA position 668, A replaced by C.
Protein change: p.His223Pro; replaces histidine 223 with proline.
Molecular consequence: missense variant.
Genome position (GRCh38, 1-based): chr13:32,329,479, A>C. VCF-style: chr13-32329479-A-C. GRCh37 (hg19) VCF-style: chr13-32903616-A-C.
Other names: short protein forms H223P.
Identifiers: ClinVar variation 858467 (VCV000858467.11), dbSNP rs761789188, ClinGen allele CA387759488.